The following is an entry in ClinVar:

NM_020738.4(KIDINS220):c.3972C>T (p.Tyr1324=)

Gene: KIDINS220 (kinase D interacting substrate 220; minus strand). Cytogenetic location: 2p25.1.
Variant type: single nucleotide variant.
Coding change: c.3972C>T on transcript NM_020738.4 (MANE Select); coding-DNA position 3972, C replaced by T.
Protein change: p.Tyr1324=; no amino-acid change (tyrosine 1324 retained).
Molecular consequence: synonymous variant. On other transcripts: non-coding transcript variant (2).
Genome position (GRCh38, 1-based): chr2:8,733,525, G>A on the plus strand (C>T on the coding strand, the complement: KIDINS220 is on the minus strand). VCF-style: chr2-8733525-G-A. GRCh37 (hg19) VCF-style: chr2-8873655-G-A.
Other names: c.3975C>T, p.Tyr1325= (NM_001348729.2); c.3918C>T, p.Tyr1306= (NM_001348731.2); c.3915C>T, p.Tyr1305= (NM_001348732.2, NM_001348738.2); c.3804C>T, p.Tyr1268= (NM_001348734.2, NM_001348739.2, NM_001348740.2); c.3801C>T, p.Tyr1267= (NM_001348735.2, NM_001348741.2, NM_001348742.2 and 1 more transcripts); c.3675C>T, p.Tyr1225= (NM_001348736.2).
Identifiers: ClinVar variation 4977494 (VCV004977494.1).

ClinVar aggregate classification (germline): Likely benign (1 of 4 stars; one submission).

Conditions:
KIDINS220-related disorder. Also called: KIDINS220-related condition.

gnomAD v4.1: 2 of 1,614,174 alleles (0.00012%); highest among the groups gnomAD compares: Admixed American, 0.0017%; no homozygotes.

Submission:

PreventionGenetics, part of Exact Sciences
Classification: Likely benign for KIDINS220-related condition. Last evaluated: 2025-05-12. Review status: criteria provided, single submitter. Criteria: ACMG Guidelines, 2015. Collection method: clinical testing. Allele origin: germline.
Comment: This variant is classified as likely benign based on ACMG/AMP sequence variant interpretation guidelines (Richards et al. 2015 PMID: 25741868, with internal and published modifications).